The following is an entry in ClinVar:

NM_006231.4(POLE):c.4799T>C (p.Ile1600Thr)

Gene: POLE (DNA polymerase epsilon, catalytic subunit; minus strand). Cytogenetic location: 12q24.33.
Variant type: single nucleotide variant.
Coding change: c.4799T>C on transcript NM_006231.4 (MANE Select); coding-DNA position 4799, T replaced by C.
Protein change: p.Ile1600Thr; replaces isoleucine 1600 with threonine.
Molecular consequence: missense variant.
Genome position (GRCh38, 1-based): chr12:132,642,659, A>G on the plus strand (T>C on the coding strand, the complement: POLE is on the minus strand). VCF-style: chr12-132642659-A-G. GRCh37 (hg19) VCF-style: chr12-133219245-A-G.
Other names: short protein forms I1600T.
Identifiers: ClinVar variation 644246 (VCV000644246.17), dbSNP rs945434123, ClinGen allele CA246303744.
Genomic context (GRCh38, chr12:132,642,659, plus strand): 5'-CCATAGTTGATCTTGTCAGCCACACAGATAGGCACCAGTGGGAATTCCTCCAAGACAGGA[A>G]TTTCACTGGCCAGCCTCTTCAGCTCCCAGCTGGACTGAACAGCGATGAGTGTGGGCCCCC-3'
Protein context (NP_006222.2, residues 1590-1610): SWELKRLASE[Ile1600Thr]PVLEEFPLVP

ClinVar aggregate classification (germline): Uncertain significance. Review status: criteria provided, multiple submitters, no conflicts (2 of 4 stars). 3 submissions from 3 submitters: Uncertain significance (3). Last evaluated 2026-01-18.

Conditions:
Hereditary cancer-predisposing syndrome. Also called: Neoplastic Syndromes, Hereditary; Tumor predisposition; Hereditary neoplastic syndrome; Hereditary Cancer Syndrome. Identifiers: Orphanet 140162, MedGen C0027672, MeSH D009386, MONDO:0015356.
Colorectal cancer, susceptibility to, 12 (CRCS12). Also called: COLORECTAL CANCER, SUSCEPTIBILITY TO, ON CHROMOSOME 12q24. Identifiers: Orphanet 220460, MedGen C3554460, MONDO:0014038, OMIM 615083.

Allele frequency attached by ClinVar (database versions not stated): TOPMed 0.00002; gnomAD 0.00003.
gnomAD v4.1: 4 of 1,613,128 alleles (0.00025%); highest among the groups gnomAD compares: African/African-American, 0.0053%; no homozygotes.

Submissions (3):

Labcorp Genetics (formerly Invitae), Labcorp
Classification: Uncertain significance. Last evaluated: 2026-01-18. Review status: criteria provided, single submitter. Criteria: Invitae Variant Classification Sherloc (09022015). Collection method: clinical testing. Allele origin: germline.
Comment: This sequence change replaces isoleucine, which is neutral and non-polar, with threonine, which is neutral and polar, at codon 1600 of the POLE protein (p.Ile1600Thr). This variant is present in population databases (no rsID available, gnomAD 0.02%). This variant has not been reported in the literature in individuals affected with POLE-related conditions. ClinVar contains an entry for this variant (Variation ID: 644246). Invitae Evidence Modeling of protein sequence and biophysical properties (such as structural, functional, and spatial information, amino acid conservation, physicochemical variation, residue mobility, and thermodynamic stability) indicates that this missense variant is not expected to disrupt POLE protein function with a negative predictive value of 80%. In summary, the available evidence is currently insufficient to determine the role of this variant in disease. Therefore, it has been classified as a Variant of Uncertain Significance.

Ambry Genetics
Classification: Uncertain significance for Hereditary cancer-predisposing syndrome. Last evaluated: 2024-03-16. Review status: criteria provided, single submitter. Criteria: Ambry Variant Classification Scheme 2023. Collection method: clinical testing. Allele origin: germline.
Comment: The p.I1600T variant (also known as c.4799T>C), located in coding exon 37 of the POLE gene, results from a T to C substitution at nucleotide position 4799. The isoleucine at codon 1600 is replaced by threonine, an amino acid with similar properties. This amino acid position is conserved. In addition, this alteration is predicted to be tolerated by in silico analysis. Since supporting evidence is limited at this time, the clinical significance of this alteration remains unclear.

St. Jude Molecular Pathology, St. Jude Children's Research Hospital
Classification: Uncertain significance for Colorectal cancer, susceptibility to, 12. Last evaluated: 2021-05-27. Review status: criteria provided, single submitter. Criteria: St. Jude Assertion Criteria 2020. Collection method: clinical testing. Allele origin: germline.
Comment: The POLE c.4799T>C (p.Ile1600Thr) missense change has a maximum subpopulation frequency of 0.023% in gnomAD v2.1.1. In silico tools are not in agreement about the effect of this variant on protein function, but to our knowledge these predictions have not been confirmed by functional assays. This variant has been identified in a tumor with low tumor mutational burden (internal data). To our knowledge, this variant has not been reported in the literature in individuals with POLE-related disease. In summary, this variant meets criteria to be classified as of uncertain significance based on the ACMG/AMP criteria: no criteria met.